The following is an entry in ClinVar:

NM_001018115.3(FANCD2):c.889-2A>G

Genes: FANCD2 (FA complementation group D2; plus strand), LOC107303338 (3p25 FANCD2 Alu-mediated recombination region; plus strand). Cytogenetic location: 3p25.3.
Variant type: single nucleotide variant.
Coding change: c.889-2A>G on transcript NM_001018115.3 (MANE Select); the canonical splice acceptor site of the intron before coding-DNA position 889, A replaced by G.
Molecular consequence: splice acceptor variant.
Genome position (GRCh38, 1-based): chr3:10,043,048, A>G. VCF-style: chr3-10043048-A-G. GRCh37 (hg19) VCF-style: chr3-10084732-A-G.
Other names: c.889-2A>G (NM_001319984.2, NM_001374253.1, NM_033084.6 and 1 more transcripts).
Identifiers: ClinVar variation 2731305 (VCV002731305.5), dbSNP rs1349881828, ClinGen allele CA351729430.

ClinVar aggregate classification (germline): Likely pathogenic. Review status: criteria provided, multiple submitters, no conflicts (2 of 4 stars). 2 submissions from 2 submitters: Likely pathogenic (2). Last evaluated 2023-12-05.

Conditions:
Fanconi anemia complementation group D2. Also called: FANCONI PANCYTOPENIA, TYPE 4; FANCONI ANEMIA, COMPLEMENTATION GROUP D; FANCD2-Related Fanconi Anemia. Identifiers: Orphanet 84, MedGen C3160738, MONDO:0009214, OMIM 227646.
Fanconi anemia (FA). Also called: Fanconi's anemia. Identifiers: Orphanet 84, MedGen C0015625, MeSH D005199, MONDO:0019391.

Allele frequency attached by ClinVar (database versions not stated): gnomAD exomes below 0.00001; TOPMed below 0.00001; gnomAD 0.00002.
gnomAD v4.1: 4 of 1,613,390 alleles (0.00025%); highest among the groups gnomAD compares: African/African-American, 0.004%; no homozygotes.

Submissions (2):

Labcorp Genetics (formerly Invitae), Labcorp
Classification: Likely pathogenic for Fanconi anemia. Last evaluated: 2023-12-05. Review status: criteria provided, single submitter. Criteria: Invitae Variant Classification Sherloc (09022015). Collection method: clinical testing. Allele origin: germline.
Comment: This sequence change affects an acceptor splice site in intron 11 of the FANCD2 gene. It is expected to disrupt RNA splicing. Variants that disrupt the donor or acceptor splice site typically lead to a loss of protein function (PMID: 16199547), and loss-of-function variants in FANCD2 are known to be pathogenic (PMID: 17436244). This variant is present in population databases (no rsID available, gnomAD 0.006%). This variant has not been reported in the literature in individuals affected with FANCD2-related conditions. Algorithms developed to predict the effect of sequence changes on RNA splicing suggest that this variant may disrupt the consensus splice site. In summary, the currently available evidence indicates that the variant is pathogenic, but additional data are needed to prove that conclusively. Therefore, this variant has been classified as Likely Pathogenic.

Juno Genomics, Hangzhou Juno Genomics, Inc
Classification: Likely pathogenic for Fanconi anemia complementation group D2. Review status: criteria provided, single submitter. Criteria: ACMG Guidelines, 2015. Collection method: clinical testing. Allele origin: germline. Affected: yes.
Comment: Absent from controls (or at extremely low frequency if recessive) in Genome Aggregation Database, Exome Sequencing Project, 1000 Genomes Project, or Exome Aggregation Consortium.;Null variant in a gene where loss of function (LOF) is a known mechanism of disease.

Literature cited by the submitters: PubMed 16199547 (cited by Labcorp Genetics (formerly Invitae), Labcorp); PubMed 17436244 (cited by Labcorp Genetics (formerly Invitae), Labcorp).